The following is an entry in ClinVar:

NM_001388492.1(HTT):c.9284C>T (p.Ala3095Val)

Gene: HTT (huntingtin; plus strand). Cytogenetic location: 4p16.3.
Variant type: single nucleotide variant.
Coding change: c.9284C>T on transcript NM_001388492.1 (MANE Select); coding-DNA position 9284, C replaced by T.
Protein change: p.Ala3095Val; replaces alanine 3095 with valine.
Molecular consequence: missense variant.
Genome position (GRCh38, 1-based): chr4:3,239,914, C>T. VCF-style: chr4-3239914-C-T. GRCh37 (hg19) VCF-style: chr4-3241641-C-T.
Other names: c.9290C>T, p.Ala3097Val (NM_002111.8); short protein forms A3095V, A3097V.
Identifiers: ClinVar variation 1475129 (VCV001475129.6), dbSNP rs748815950, ClinGen allele CA2825944.

ClinVar aggregate classification (germline): Uncertain significance (1 of 4 stars; one submission).

Allele frequency attached by ClinVar (database versions not stated): gnomAD exomes below 0.00001; gnomAD 0.00001.
gnomAD v4.1: 2 of 1,576,246 alleles (0.00013%); highest among the groups gnomAD compares: Non-Finnish European, 0.00017%; no homozygotes.

Submission:

Labcorp Genetics (formerly Invitae), Labcorp
Classification: Uncertain significance. Last evaluated: 2024-06-03. Review status: criteria provided, single submitter. Criteria: Invitae Variant Classification Sherloc (09022015). Collection method: clinical testing. Allele origin: germline.
Comment: This sequence change replaces alanine, which is neutral and non-polar, with valine, which is neutral and non-polar, at codon 3097 of the HTT protein (p.Ala3097Val). This variant is not present in population databases (gnomAD no frequency). This variant has not been reported in the literature in individuals affected with HTT-related conditions. ClinVar contains an entry for this variant (Variation ID: 1475129). Experimental studies and prediction algorithms are not available or were not evaluated, and the functional significance of this variant is currently unknown. In summary, the available evidence is currently insufficient to determine the role of this variant in disease. Therefore, it has been classified as a Variant of Uncertain Significance.